The following is an entry in ClinVar:

ClinVar aggregate classification (germline): Likely benign. Review status: criteria provided, multiple submitters, no conflicts (2 of 4 stars). 2 submissions from 2 submitters: Likely benign (2). Last evaluated 2025-01-15.

Conditions:
RYR1-related disorder. Also called: RYR1-related disorders; RYR1-related condition. Identifiers: MedGen CN239331.
Malignant hyperthermia, susceptibility to, 1 (MHS1). Also called: Anesthesia related hyperthermia; Malignant hyperpyrexia; Fulminating hyperpyrexia; Pharmacogenic myopathy; Malignant hyperthermia suceptibility 1; RYR1-Related Malignant Hyperthermia Susceptibility. Identifiers: Orphanet 423, MedGen C2930980, MONDO:0007783, OMIM 145600.

Submissions (2):

Labcorp Genetics (formerly Invitae), Labcorp
Classification: Likely benign for RYR1-related disorder. Last evaluated: 2025-01-15. Review status: criteria provided, single submitter. Criteria: Invitae Variant Classification Sherloc (09022015). Collection method: clinical testing. Allele origin: germline.

All of Us Research Program, National Institutes of Health
Classification: Likely benign for Malignant hyperthermia, susceptibility to, 1. Last evaluated: 2024-04-16. Review status: criteria provided, single submitter. Criteria: ACMG Guidelines, 2015. Collection method: clinical testing. Allele origin: germline. Inheritance: Autosomal dominant inheritance. Observed: 1 variant allele, 1 heterozygote.
Comment: This study involves interpretation of variants in research participants for the purpose of population health screening. Participant phenotype was not available at the time of variant classification. Additional details can be found in publication PMID: 35346344, PMCID: PMC8962531

NM_000540.3(RYR1):c.9885C>T (p.Ala3295=)

Gene: RYR1 (ryanodine receptor 1; plus strand). Cytogenetic location: 19q13.2.
Variant type: single nucleotide variant.
Coding change: c.9885C>T on transcript NM_000540.3 (MANE Select); coding-DNA position 9885, C replaced by T.
Protein change: p.Ala3295=; no amino-acid change (alanine 3295 retained).
Molecular consequence: synonymous variant.
Genome position (GRCh38, 1-based): chr19:38,517,558, C>T. VCF-style: chr19-38517558-C-T. GRCh37 (hg19) VCF-style: chr19-39008198-C-T.
Other names: c.9885C>T, p.Ala3295= (NM_001042723.2).
Identifiers: ClinVar variation 3385515 (VCV003385515.3).